The following is an entry in ClinVar:

NM_001145358.2(SIN3A):c.3487G>A (p.Asp1163Asn)

Gene: SIN3A (SIN3 transcription regulator family member A; minus strand). Cytogenetic location: 15q24.2.
Variant type: single nucleotide variant.
Coding change: c.3487G>A on transcript NM_001145358.2 (MANE Select); coding-DNA position 3487, G replaced by A.
Protein change: p.Asp1163Asn; replaces aspartic acid 1163 with asparagine.
Molecular consequence: missense variant.
Genome position (GRCh38, 1-based): chr15:75,375,769, C>T on the plus strand (G>A on the coding strand, the complement: SIN3A is on the minus strand). VCF-style: chr15-75375769-C-T. GRCh37 (hg19) VCF-style: chr15-75668110-C-T.
Other names: c.3487G>A, p.Asp1163Asn (NM_001145357.2, NM_015477.3); short protein forms D1163N.
Identifiers: ClinVar variation 1719709 (VCV001719709.5), dbSNP rs2542997232, ClinGen allele CA393485675.

ClinVar aggregate classification (germline): Uncertain significance (1 of 4 stars; one submission).

gnomAD v4.1: 1 of 1,614,140 alleles (0.000062%); highest among the groups gnomAD compares: Non-Finnish European, 0.000085%; no homozygotes.

Submission:

Labcorp Genetics (formerly Invitae), Labcorp
Classification: Uncertain significance. Last evaluated: 2022-08-19. Review status: criteria provided, single submitter. Criteria: Invitae Variant Classification Sherloc (09022015). Collection method: clinical testing. Allele origin: germline.
Comment: In summary, the available evidence is currently insufficient to determine the role of this variant in disease. Therefore, it has been classified as a Variant of Uncertain Significance. Algorithms developed to predict the effect of missense changes on protein structure and function (SIFT, PolyPhen-2, Align-GVGD) all suggest that this variant is likely to be tolerated. This variant has not been reported in the literature in individuals affected with SIN3A-related conditions. This variant is not present in population databases (gnomAD no frequency). This sequence change replaces aspartic acid, which is acidic and polar, with asparagine, which is neutral and polar, at codon 1163 of the SIN3A protein (p.Asp1163Asn).